The following is an entry in ClinVar:

NM_025099.6(CTC1):c.3157-2A>C

Gene: CTC1 (CST telomere replication complex component 1; minus strand). Cytogenetic location: 17p13.1.
Variant type: single nucleotide variant.
Coding change: c.3157-2A>C on transcript NM_025099.6 (MANE Select); the canonical splice acceptor site of the intron before coding-DNA position 3157, A replaced by C.
Molecular consequence: splice acceptor variant. On other transcripts: intron variant (1).
Genome position (GRCh38, 1-based): chr17:8,229,208, T>G on the plus strand (A>C on the coding strand, the complement: CTC1 is on the minus strand). VCF-style: chr17-8229208-T-G. GRCh37 (hg19) VCF-style: chr17-8132526-T-G.
Other names: c.3156+94A>C (NM_001411067.1).
Identifiers: ClinVar variation 3719899 (VCV003719899.2).

ClinVar aggregate classification (germline): Likely pathogenic (1 of 4 stars; one submission).

Conditions:
Dyskeratosis congenita. Identifiers: Orphanet 1775, MedGen C0265965, MONDO:0015780.

gnomAD v4.1: 2 of 1,614,198 alleles (0.00012%); highest among the groups gnomAD compares: Non-Finnish European, 0.000085%; no homozygotes.

Submission:

Labcorp Genetics (formerly Invitae), Labcorp
Classification: Likely pathogenic for Dyskeratosis congenita. Last evaluated: 2024-05-26. Review status: criteria provided, single submitter. Criteria: Invitae Variant Classification Sherloc (09022015). Collection method: clinical testing. Allele origin: germline.
Comment: This sequence change affects an acceptor splice site in intron 19 of the CTC1 gene. It is expected to disrupt RNA splicing. Variants that disrupt the donor or acceptor splice site typically lead to a loss of protein function (PMID: 16199547), and loss-of-function variants in CTC1 are known to be pathogenic (PMID: 22267198, 22387016). This variant is not present in population databases (gnomAD no frequency). This variant has not been reported in the literature in individuals affected with CTC1-related conditions. Algorithms developed to predict the effect of sequence changes on RNA splicing suggest that this variant may disrupt the consensus splice site. In summary, the currently available evidence indicates that the variant is pathogenic, but additional data are needed to prove that conclusively. Therefore, this variant has been classified as Likely Pathogenic.

Literature cited by the submitters: PubMed 16199547; PubMed 22267198; PubMed 22387016.